The following is an entry in ClinVar:

ClinVar aggregate classification (germline): Uncertain significance. Review status: criteria provided, multiple submitters, no conflicts (2 of 4 stars). 2 submissions from 2 submitters: Uncertain significance (2). Last evaluated 2025-10-11.

Conditions:
Inborn genetic diseases. Identifiers: MedGen C0950123, MeSH D030342.
KBG syndrome (KBGS). Also called: ANKRD11-Related KBG Syndrome. Identifiers: Orphanet 2332, MedGen C0220687, MONDO:0007846, OMIM 148050.

Allele frequency attached by ClinVar (database versions not stated): gnomAD exomes below 0.00001; TOPMed below 0.00001; gnomAD 0.00001.
gnomAD v4.1: 17 of 1,601,196 alleles (0.0011%); highest among the groups gnomAD compares: Non-Finnish European, 0.0015%; no homozygotes.

Submissions (2):

Labcorp Genetics (formerly Invitae), Labcorp
Classification: Uncertain significance for KBG syndrome. Last evaluated: 2025-10-11. Review status: criteria provided, single submitter. Criteria: Invitae Variant Classification Sherloc (09022015). Collection method: clinical testing. Allele origin: germline.
Comment: This sequence change replaces alanine, which is neutral and non-polar, with threonine, which is neutral and polar, at codon 1906 of the ANKRD11 protein (p.Ala1906Thr). This variant is present in population databases (no rsID available, gnomAD 0.0009%). This variant has not been reported in the literature in individuals affected with ANKRD11-related conditions. ClinVar contains an entry for this variant (Variation ID: 587906). Invitae Evidence Modeling of protein sequence and biophysical properties (such as structural, functional, and spatial information, amino acid conservation, physicochemical variation, residue mobility, and thermodynamic stability) indicates that this missense variant is not expected to disrupt ANKRD11 protein function with a negative predictive value of 95%. In summary, the available evidence is currently insufficient to determine the role of this variant in disease. Therefore, it has been classified as a Variant of Uncertain Significance.

Ambry Genetics
Classification: Uncertain significance for Inborn genetic diseases. Last evaluated: 2018-07-27. Review status: criteria provided, single submitter. Criteria: Ambry Variant Classification Scheme 2023. Collection method: clinical testing. Allele origin: germline.
Comment: The p.A1906T variant (also known as c.5716G>A), located in coding exon 7 of the ANKRD11 gene, results from a G to A substitution at nucleotide position 5716. The alanine at codon 1906 is replaced by threonine, an amino acid with similar properties. This amino acid position is not well conserved in available vertebrate species. In addition, this alteration is predicted to be tolerated by in silico analysis. Since supporting evidence is limited at this time, the clinical significance of this alteration remains unclear.

NM_013275.6(ANKRD11):c.5716G>A (p.Ala1906Thr)

Gene: ANKRD11 (ankyrin repeat domain 11; minus strand). Cytogenetic location: 16q24.3.
Variant type: single nucleotide variant.
Coding change: c.5716G>A on transcript NM_013275.6 (MANE Select); coding-DNA position 5716, G replaced by A.
Protein change: p.Ala1906Thr; replaces alanine 1906 with threonine.
Molecular consequence: missense variant.
Genome position (GRCh38, 1-based): chr16:89,280,826, C>T on the plus strand (G>A on the coding strand, the complement: ANKRD11 is on the minus strand). VCF-style: chr16-89280826-C-T. GRCh37 (hg19) VCF-style: chr16-89347234-C-T.
Other names: c.5716G>A, p.Ala1906Thr (NM_001256182.2, NM_001256183.2); short protein forms A1906T.
Identifiers: ClinVar variation 587906 (VCV000587906.6), dbSNP rs1428749185, ClinGen allele CA397153188.
Genomic context (GRCh38, chr16:89,280,826, plus strand): 5'-GGGGGATGATGGCGGCCGTCGCCTGCTGGTCCTCGGAGGTGTCCAGGTCCGGGGGAAGGG[C>T]CCCTTCGAGGGAAGGAACCAGCAGCTCGGCTCTGGGGGAAGGGGAAGGTTTTGCTTGTAA-3'
Protein context (NP_037407.4, residues 1896-1916): AELLVPSLEG[Ala1906Thr]LPPDLDTSED